The following is an entry in ClinVar:

ClinVar aggregate classification (germline): Uncertain significance (1 of 4 stars; one submission).

Conditions:
Progressive myoclonic epilepsy type 3. Also called: EPILEPSY, PROGRESSIVE MYOCLONIC, 3, WITHOUT INTRACELLULAR INCLUSIONS; KCTD7-Related Progressive Myoclonic Epilepsy; EPILEPSY, PROGRESSIVE MYOCLONIC, 3, WITH OR WITHOUT INTRACELLULAR INCLUSIONS; CEROID LIPOFUSCINOSIS, NEURONAL, 14. Identifiers: Orphanet 263516, MedGen C2673257, MONDO:0012721, OMIM 611726.

Submission:

Labcorp Genetics (formerly Invitae), Labcorp
Classification: Uncertain significance for Progressive myoclonic epilepsy type 3. Last evaluated: 2022-08-31. Review status: criteria provided, single submitter. Criteria: Invitae Variant Classification Sherloc (09022015). Collection method: clinical testing. Allele origin: germline.
Comment: In summary, the available evidence is currently insufficient to determine the role of this variant in disease. Therefore, it has been classified as a Variant of Uncertain Significance. Algorithms developed to predict the effect of missense changes on protein structure and function (SIFT, PolyPhen-2, Align-GVGD) all suggest that this variant is likely to be disruptive. This variant is not present in population databases (gnomAD no frequency). This variant has not been reported in the literature in individuals affected with KCTD7-related conditions. This sequence change replaces alanine, which is neutral and non-polar, with threonine, which is neutral and polar, at codon 129 of the KCTD7 protein (p.Ala129Thr).

NM_153033.5(KCTD7):c.385G>A (p.Ala129Thr)

Gene: KCTD7 (potassium channel tetramerization domain containing 7; plus strand). Cytogenetic location: 7q11.21.
Variant type: single nucleotide variant.
Coding change: c.385G>A on transcript NM_153033.5 (MANE Select); coding-DNA position 385, G replaced by A.
Protein change: p.Ala129Thr; replaces alanine 129 with threonine.
Molecular consequence: missense variant.
Genome position (GRCh38, 1-based): chr7:66,638,323, G>A. VCF-style: chr7-66638323-G-A. GRCh37 (hg19) VCF-style: chr7-66103310-G-A.
Other names: c.385G>A, p.Ala129Thr (NM_001167961.2); short protein forms A129T.
Identifiers: ClinVar variation 1917813 (VCV001917813.5), dbSNP rs2535249763, ClinGen allele CA367696260.
Genomic context (GRCh38, chr7:66,638,323, plus strand): 5'-AATTTCCTGCGCTCAGGGGACCTCCCACCCAGGGAGCGTGTTCGAGCTGTGTACAAAGAG[G>A]CCCAGTACTATGCCATCGGGCCCCTCCTGGAGCAGCTGGAGAACATGCAGCCACTGAAGG-3'
Protein context (NP_694578.1, residues 119-139): RERVRAVYKE[Ala129Thr]QYYAIGPLLE